The following is an entry in ClinVar:

ClinVar aggregate classification (germline): Likely benign. Review status: criteria provided, multiple submitters, no conflicts (2 of 4 stars). 2 submissions from 2 submitters: Likely benign (2). Last evaluated 2025-08-19.

Conditions:
Ataxia-telangiectasia syndrome (AT). Also called: AT, COMPLEMENTATION GROUP C; Ataxia-telangiectasia, complementation group D; ATAXIA-TELANGIECTASIA, COMPLEMENTATION GROUP A; ATAXIA-TELANGIECTASIA, FRESNO VARIANT; Ataxia-telangiectasia; Ataxia-telangiectasia, complementation group E. Identifiers: Orphanet 100, MedGen C0004135, MONDO:0008840, OMIM 208900.
Familial cancer of breast. Also called: hereditary breast carcinoma; BREAST CANCER, FAMILIAL; Hereditary breast cancer. Identifiers: Orphanet 227535, MedGen C0346153, MONDO:0016419, OMIM 114480. Disease mechanism: loss of function.

Submissions (2):

Labcorp Genetics (formerly Invitae), Labcorp
Classification: Likely benign for Ataxia-telangiectasia syndrome. Last evaluated: 2025-08-19. Review status: criteria provided, single submitter. Criteria: Invitae Variant Classification Sherloc (09022015). Collection method: clinical testing. Allele origin: germline.

Myriad Genetics, Inc.
Classification: Likely benign for Familial cancer of breast. Last evaluated: 2024-05-28. Review status: criteria provided, single submitter. Criteria: Myriad Autosomal Dominant, Autosomal Recessive and X-Linked Classification Criteria (2023). Collection method: clinical testing. Allele origin: unknown.
Comment: This variant is considered likely benign. This variant is intronic and is not expected to impact mRNA splicing.

NM_000051.4(ATM):c.5919-5A>C

Genes: ATM (ATM serine/threonine kinase; plus strand), C11orf65 (chromosome 11 open reading frame 65; minus strand). Cytogenetic location: 11q22.3.
Variant type: single nucleotide variant.
Coding change: c.5919-5A>C on transcript NM_000051.4 (MANE Select); 5 bases into the intron before coding-DNA position 5919, A replaced by C.
Molecular consequence: intron variant.
Genome position (GRCh38, 1-based): chr11:108,312,406, A>C. VCF-style: chr11-108312406-A-C. GRCh37 (hg19) VCF-style: chr11-108183133-A-C.
Other names: c.5919-5A>C (NM_001351834.2); c.641-3335T>G (NM_001330368.2); c.*39-3335T>G (NM_001351110.2).
Identifiers: ClinVar variation 3253799 (VCV003253799.1), dbSNP rs2547052067.